The following is an entry in ClinVar:

NM_005228.5(EGFR):c.1694A>G (p.Gln565Arg)

Gene: EGFR (epidermal growth factor receptor; plus strand). Cytogenetic location: 7p11.2.
Variant type: single nucleotide variant.
Coding change: c.1694A>G on transcript NM_005228.5 (MANE Select); coding-DNA position 1694, A replaced by G.
Protein change: p.Gln565Arg; replaces glutamine 565 with arginine.
Molecular consequence: missense variant.
Genome position (GRCh38, 1-based): chr7:55,163,795, A>G. VCF-style: chr7-55163795-A-G. GRCh37 (hg19) VCF-style: chr7-55231488-A-G.
Other names: c.1559A>G, p.Gln520Arg (NM_001346897.2, NM_001346899.2); c.1694A>G, p.Gln565Arg (NM_001346898.2, NM_201282.2, NM_201284.2); c.1535A>G, p.Gln512Arg (NM_001346900.2); c.893A>G, p.Gln298Arg (NM_001346941.2); c.1694A>G (NM_005228.3); short protein forms Q298R, Q512R, Q520R, Q565R.
Identifiers: ClinVar variation 1060508 (VCV001060508.10), dbSNP rs1258211270, ClinGen allele CA367580538.
Genomic context (GRCh38, chr7:55,163,795, plus strand): 5'-AGCCAAGGGAGTTTGTGGAGAACTCTGAGTGCATACAGTGCCACCCAGAGTGCCTGCCTC[A>G]GGCCATGAACATCACCTGCACAGGACGGGTAAGAGCCCCTTGCTGCTATCCACGTCCATT-3'
Protein context (NP_005219.2, residues 555-575): CIQCHPECLP[Gln565Arg]AMNITCTGRG

ClinVar aggregate classification (germline): Conflicting classifications of pathogenicity. Review status: criteria provided, conflicting classifications (1 of 4 stars). 2 submissions from 2 submitters: Uncertain significance (1); Likely benign (1). Last evaluated 2026-06-16.

Conditions:
EGFR-related lung cancer (EGFR). Identifiers: MedGen CN130014.
Hereditary cancer-predisposing syndrome. Also called: Tumor predisposition; Hereditary Cancer Syndrome; Hereditary neoplastic syndrome; Neoplastic Syndromes, Hereditary. Identifiers: Orphanet 140162, MedGen C0027672, MeSH D009386, MONDO:0015356.

Allele frequency attached by ClinVar (database versions not stated): TOPMed below 0.00001.

Submissions (2):

Ambry Genetics
Classification: Likely benign for Hereditary cancer-predisposing syndrome. Last evaluated: 2026-06-16. Review status: criteria provided, single submitter. Criteria: Ambry Variant Classification Scheme 2023. Collection method: clinical testing. Allele origin: germline.

Labcorp Genetics (formerly Invitae), Labcorp
Classification: Uncertain significance for EGFR-related lung cancer. Last evaluated: 2023-01-28. Review status: criteria provided, single submitter. Criteria: Invitae Variant Classification Sherloc (09022015). Collection method: clinical testing. Allele origin: germline.
Comment: This variant has not been reported in the literature in individuals affected with EGFR-related conditions. This variant is not present in population databases (gnomAD no frequency). This sequence change replaces glutamine, which is neutral and polar, with arginine, which is basic and polar, at codon 565 of the EGFR protein (p.Gln565Arg). ClinVar contains an entry for this variant (Variation ID: 1060508). In summary, the available evidence is currently insufficient to determine the role of this variant in disease. Therefore, it has been classified as a Variant of Uncertain Significance. Advanced modeling of protein sequence and biophysical properties (such as structural, functional, and spatial information, amino acid conservation, physicochemical variation, residue mobility, and thermodynamic stability) performed at Invitae indicates that this missense variant is not expected to disrupt EGFR protein function.